The following is an entry in ClinVar:

ClinVar aggregate classification (germline): Pathogenic (1 of 4 stars; one submission).

Submission:

Labcorp Genetics (formerly Invitae), Labcorp
Classification: Pathogenic. Last evaluated: 2023-10-12. Review status: criteria provided, single submitter. Criteria: Invitae Variant Classification Sherloc (09022015). Collection method: clinical testing. Allele origin: germline.
Comment: This sequence change creates a premature translational stop signal (p.Pro614Cysfs*81) in the ADAMTSL4 gene. It is expected to result in an absent or disrupted protein product. Loss-of-function variants in ADAMTSL4 are known to be pathogenic (PMID: 20564469, 28642162). This variant is not present in population databases (gnomAD no frequency). This variant has not been reported in the literature in individuals affected with ADAMTSL4-related conditions. For these reasons, this variant has been classified as Pathogenic.

Literature cited by the submitters: PubMed 20564469; PubMed 28642162.

NM_019032.6(ADAMTSL4):c.1840_1841del (p.Pro614fs)

Genes: ADAMTSL4 (ADAMTS like 4; plus strand), ADAMTSL4-AS2 (ADAMTSL4 antisense RNA 2; minus strand). Cytogenetic location: 1q21.2.
Variant type: Deletion.
Coding change: c.1840_1841del on transcript NM_019032.6 (MANE Select); coding-DNA positions 1840 to 1841, 2 bases deleted (CC; older notation c.1840_1841delCC).
Protein change: p.Pro614fs; shifts the reading frame from proline 614.
Molecular consequence: frameshift variant. On other transcripts: intron variant (1).
Genome position (GRCh38, 1-based): chr1:150,557,029-150,557,030, CC deleted; deleting any 2 consecutive bases within chr1:150,557,026-150,557,030 gives the same sequence; the c. name uses the placement nearest the transcript's 3' end. VCF-style (leftmost placement, unchanged base first): chr1-150557025-GCC-G. GRCh37 (hg19) VCF-style: chr1-150529501-GCC-G.
Other names: c.1909_1910del, p.Pro637fs (NM_001288608.2); c.1840_1841del, p.Pro614fs (NM_001378596.1, NM_025008.5); c.1856+53_1856+54del (NM_001288607.2); short protein forms P614fs, P637fs.
Identifiers: ClinVar variation 2830751 (VCV002830751.3), dbSNP rs762274397, ClinGen allele CA2739275267.